The following is an entry in ClinVar:

NM_007294.4(BRCA1):c.5467+1G>A

Gene: BRCA1 (BRCA1 DNA repair associated; minus strand). Cytogenetic location: 17q21.31.
Variant type: single nucleotide variant.
Coding change: c.5467+1G>A on transcript NM_007294.4 (MANE Select); the canonical splice donor site of the intron after coding-DNA position 5467, G replaced by A.
Molecular consequence: splice donor variant.
Genome position (GRCh38, 1-based): chr17:43,047,642, C>T on the plus strand (G>A on the coding strand, the complement: BRCA1 is on the minus strand). VCF-style: chr17-43047642-C-T. GRCh37 (hg19) VCF-style: chr17-41199659-C-T.
Other names: IVS23+1G>A; c.5467+1G>A (NM_001407602.1, NM_001407597.1, NM_001407605.1 and 5 more transcripts); c.5530+1G>A (NM_001407585.1, NM_007300.4, NM_001407583.1 and 1 more transcripts); c.5197+1G>A (NM_001407936.1, NM_001407934.1, NM_001407935.1); c.5320+1G>A (NM_001407849.1, NM_001407845.1, NM_001407852.1 and 12 more transcripts); c.5323+1G>A (NM_001407744.1, NM_001407750.1, NM_001407732.1 and 18 more transcripts); c.1894+1G>A (NM_001408496.1, NM_001408499.1, NM_001408498.1 and 3 more transcripts); c.5200+1G>A (NM_001407929.1, NM_001407930.1, NM_001407933.1 and 4 more transcripts); and 84 more.
Identifiers: ClinVar variation 37673 (VCV000037673.34), dbSNP rs80358145, ClinGen allele CA003610.

ClinVar aggregate classification (germline): Pathogenic. Review status: criteria provided, multiple submitters, no conflicts (2 of 4 stars). 12 submissions from 12 submitters: Pathogenic (8). 4 of the submissions do not count toward it. Last evaluated 2025-12-20.

Conditions:
Hereditary cancer-predisposing syndrome. Also called: Tumor predisposition; Neoplastic Syndromes, Hereditary; Hereditary Cancer Syndrome; Hereditary neoplastic syndrome. Identifiers: Orphanet 140162, MedGen C0027672, MeSH D009386, MONDO:0015356.
Hereditary breast ovarian cancer syndrome. Also called: Hereditary breast and ovarian cancer syndrome (HBOC); Hereditary breast and ovarian cancer syndrome; Hereditary breast and ovarian cancer; Hereditary breast and/or ovarian cancer syndrome; Breast and ovarian cancer; BRCA1- and BRCA2-Associated Hereditary Breast and Ovarian Cancer. Identifiers: Orphanet 145, MedGen C0677776, MeSH D061325, MONDO:0003582. Disease mechanism: loss of function.
Breast-ovarian cancer, familial, susceptibility to, 1 (BROVCA1). Also called: OVARIAN CANCER, SUSCEPTIBILITY TO; BRCA1 Hereditary Breast and Ovarian Cancer. Identifiers: Orphanet 145, MedGen C2676676, MONDO:0011450, OMIM 604370. Disease mechanism: loss of function.

Allele frequency attached by ClinVar (database versions not stated): gnomAD exomes below 0.00001; gnomAD 0.00001.
gnomAD v4.1: 2 of 1,614,080 alleles (0.00012%); highest among the groups gnomAD compares: East Asian, 0.0022%; no homozygotes.

Submissions 1 to 6 of 13:

Labcorp Genetics (formerly Invitae), Labcorp
Classification: Pathogenic for Hereditary breast ovarian cancer syndrome. Last evaluated: 2025-12-20. Review status: criteria provided, single submitter. Criteria: Invitae Variant Classification Sherloc (09022015). Collection method: clinical testing. Allele origin: germline.
Comment: This sequence change affects a donor splice site in intron 22 of the BRCA1 gene. RNA analysis indicates that disruption of this splice site induces altered splicing and likely disrupts the C-terminus of the protein. The frequency data for this variant in the population databases is considered unreliable, as metrics indicate poor data quality at this position in the gnomAD database. Disruption of this splice site has been observed in individual(s) with breast and ovarian cancer (PMID: 11428389, 19491284, 21913181, 25428789). This variant is also known as This variant is also known as IVS23+1G>A in the literature.. ClinVar contains an entry for this variant (Variation ID: 37673). Variants that disrupt the consensus splice site are a relatively common cause of aberrant splicing (PMID: 17576681, 9536098). Studies have shown that disruption of this splice site results in skipping of exon 22 and introduces a new termination codon (PMID: 11428389, 24667779). However the mRNA is not expected to undergo nonsense-mediated decay. This variant disrupts a region of the BRCA1 protein in which other variant(s) (p.Tyr1853*) have been determined to be pathogenic (PMID: 7894493, 10811118, 11739404, 12400015, 20104584, 21922593, 24504028). This suggests that this is a clinically significant region of the protein, and that variants that disrupt it are likely to be disease-causing. For these reasons, this variant has been classified as Pathogenic.

Ambry Genetics
Classification: Pathogenic for Hereditary cancer-predisposing syndrome. Last evaluated: 2024-11-12. Review status: criteria provided, single submitter. Criteria: Ambry Variant Classification Scheme 2023. Collection method: clinical testing. Allele origin: germline.
Comment: The c.5467+1G>A intronic pathogenic mutation results from a G to A substitution one nucleotide after coding exon 21 of the BRCA1 gene. This alteration was reported in a cohort of African American high risk breast cancer patients (Churpek JE, et al. Breast Cancer Res. Treat. 2015 Jan;149:31-9) and has been classified as pathogenic by a personal and family history weighing algorithm (Pruss D et al. Breast Cancer Res. Treat. 2014 Aug;147:119-32). Another study reported this alteration in 1/478 high risk breast cancer patients (Park B et al. Breast Cancer Res. Treat. 2017 May;163:139-150). RNA assays have demonstrated that this alteration results in exon skipping of coding exon 21 (Ambry internal data; Laskie Ostrow K et al. Cancer Genet. Cytogenet. 2001 Jun;127:188-90; Steffensen AY et al. Eur. J. Hum. Genet. 2014 Dec;22:1362-8). One functional study found that this nucleotide substitution is non-functional in a high-throughput, genome editing, haploid cell survival assay (Findlay GM. et al. Nature 2018 10;562(7726):217-222). Of note, this alteration is also designated as IVS23 +1G>A in published literature. In addition to the clinical data presented in the literature, alterations that disrupt the canonical splice site are expected to cause aberrant splicing, resulting in an abnormal protein or a transcript that is subject to nonsense-mediated mRNA decay. As such, this alteration is classified as a disease-causing mutation.

Quest Diagnostics Nichols Institute San Juan Capistrano
Classification: Pathogenic. Last evaluated: 2024-11-09. Review status: criteria provided, single submitter. Criteria: Quest Diagnostics criteria. Collection method: clinical testing. Allele origin: unknown.
Comment: The BRCA1 c.5467+1G>A variant disrupts a canonical splice-donor site and interferes with normal BRCA1 mRNA splicing. This variant has been reported in the published literature in individuals with ovarian cancer (PMID: 32164585 (2020), breast cancer (PMID: 31174498 (2019), 30720863 (2019), 30350268 (2018), 30093976 (2018)), and breast and/or ovarian cancer (PMID: 30702160 (2019)). Assessment of experimental evidence suggests this variant results in abnormal RNA splicing (PMID: 24667779 (2014), 11428389 (2001)). One study showed this variant apparently lost functional activity in a large-scale study using a haploid cell line (PMID: 30209399 (2018)). The frequency of this variant in the general population, 0.000032 (1/31400 chromosomes (Genome Aggregation Database)), is consistent with pathogenicity. Based on the available information, this variant is classified as pathogenic.

Color Diagnostics, LLC DBA Color Health
Classification: Pathogenic for Hereditary cancer-predisposing syndrome. Last evaluated: 2024-05-13. Review status: criteria provided, single submitter. Criteria: ACMG Guidelines, 2015. Collection method: clinical testing. Allele origin: germline.
Comment: This variant causes a G to A nucleotide substitution at the +1 position of intron 22 of the BRCA1 gene. RNA studies have shown that this variant causes the out-of-frame skipping of exon 21, resulting in a premature truncation in carrier RNA and minigene splicing assay (PMID: 11428389, 25428789). A functional study reported that this variant impacts BRCA1 function in a haploid human cell proliferation assay (PMID: 30209399). This variant has been detected in over 10 individuals and families affected with breast and ovarian cancer and 2 unaffected individuals (PMID: 11428389, 18159056, 19491284, 21913181, 25428789, 25863477, 28205045, 30093976, 30287823, 33471991, 34657357, 35671604; Color internal data) and pancreatic cancer (PMID: 36463295). An analysis of the health history of 54 carriers reported that this variant has a pathogenic impact (PMID: 25085752). This variant has not been identified in the general population by the Genome Aggregation Database (gnomAD). Loss of BRCA1 function is a known mechanism of disease. Based on the available evidence, this variant is classified as Pathogenic.

GeneDx
Classification: Pathogenic. Last evaluated: 2023-10-26. Review status: criteria provided, single submitter. Criteria: GeneDx Variant Classification Process June 2021. Collection method: clinical testing. Allele origin: germline. Affected: yes.
Comment: Canonical splice site variant demonstrated to result in skipping of exon 22, resulting in protein truncation or nonsense-mediated decay in a gene for which loss of function is a known mechanism of disease (PMID: 11428389, 24667779); Published functional studies demonstrate a damaging effect: variant classified as non-functional based on a saturation genome editing (SGE) assay measuring cell survival (PMID: 30209399); Not observed at significant frequency in large population cohorts (gnomAD); Also known as 5586+1G>A; This variant is associated with the following publications: (PMID: 21913181, 25724305, 11428389, 24667779, 26287763, 26852015, 25085752, 25428789, 28205045, 25863477, 26250392, 26187060, 29470806, 29310832, 30702160, 30720863, 29446198, 31174498, 30093976, 33151324, 25525159, 31825140, 32427313, 30787465, 34645131, 32164585, 36463295, 30209399)

Baylor Genetics
Classification: Pathogenic for Breast-ovarian cancer, familial, susceptibility to, 1. Last evaluated: 2023-07-31. Review status: criteria provided, single submitter. Criteria: ACMG Guidelines, 2015. Collection method: clinical testing. Allele origin: unknown.